The following is an entry in ClinVar:

NM_001164508.2(NEB):c.19913G>A (p.Arg6638Gln)

Gene: NEB (nebulin; minus strand). Cytogenetic location: 2q23.3.
Variant type: single nucleotide variant.
Coding change: c.19913G>A on transcript NM_001164508.2 (MANE Select); coding-DNA position 19913, G replaced by A.
Protein change: p.Arg6638Gln; replaces arginine 6638 with glutamine.
Molecular consequence: missense variant.
Genome position (GRCh38, 1-based): chr2:151,551,769, C>T on the plus strand (G>A on the coding strand, the complement: NEB is on the minus strand). VCF-style: chr2-151551769-C-T. GRCh37 (hg19) VCF-style: chr2-152408283-C-T.
Other names: c.19913G>A, p.Arg6638Gln (NM_001164507.2, NM_001271208.2); c.14810G>A, p.Arg4937Gln (NM_004543.5); short protein forms R4937Q, R6638Q.
Identifiers: ClinVar variation 956550 (VCV000956550.7), dbSNP rs375307136, ClinGen allele CA1907498.
Genomic context (GRCh38, chr2:151,551,769, plus strand): 5'-CTGGGCACTCTCAAGTTCTCACTGCTCACCGAACTCTGGAGCTTGTATGCATGAAGGGCC[C>T]GGTCCAGATCCACGGTTTTGGTAGTTGGAGCCACTTTGCCTCTGACACTGTGCACATAGT-3'
Protein context (NP_001157980.2, residues 6628-6648): APTTKTVDLD[Arg6638Gln]ALHAYKLQSS

ClinVar aggregate classification (germline): Uncertain significance. Review status: criteria provided, single submitter (1 of 4 stars). 2 submissions from 2 submitters: Uncertain significance (1). 1 of the submissions does not count toward it. Last evaluated 2022-06-21.

Conditions:
Nemaline myopathy 2 (NEM2). Also called: Nemaline myopathy 2, autosomal recessive. Identifiers: MedGen C1850569, MONDO:0009725, OMIM 256030.

Allele frequency attached by ClinVar (database versions not stated): gnomAD exomes 0.00001 and 0.00002; ExAC 0.00002; gnomAD 0.00002 and 0.00003; TOPMed 0.00003; ESP Exome Variant Server 0.00008; 1000 Genomes Project 30x 0.00016; 1000 Genomes Project 0.00020.
gnomAD v4.1: 33 of 1,613,524 alleles (0.002%); highest among the groups gnomAD compares: Middle Eastern, 0.017%; no homozygotes.

Submissions (2):

Labcorp Genetics (formerly Invitae), Labcorp
Classification: Uncertain significance for Nemaline myopathy 2. Last evaluated: 2022-06-21. Review status: criteria provided, single submitter. Criteria: Invitae Variant Classification Sherloc (09022015). Collection method: clinical testing. Allele origin: germline.
Comment: This sequence change replaces arginine, which is basic and polar, with glutamine, which is neutral and polar, at codon 6638 of the NEB protein (p.Arg6638Gln). This variant is present in population databases (rs375307136, gnomAD 0.002%). This missense change has been observed in individual(s) with clinical features of NEB-related conditions (PMID: 21520333). ClinVar contains an entry for this variant (Variation ID: 956550). Algorithms developed to predict the effect of missense changes on protein structure and function are either unavailable or do not agree on the potential impact of this missense change (SIFT: "Deleterious"; PolyPhen-2: "Not Available"; Align-GVGD: "Class C0"). Algorithms developed to predict the effect of sequence changes on RNA splicing suggest that this variant may create or strengthen a splice site. In summary, the available evidence is currently insufficient to determine the role of this variant in disease. Therefore, it has been classified as a Variant of Uncertain Significance.

Natera, Inc.
Classification: Uncertain significance for Nemaline myopathy type 2. Last evaluated: 2021-06-23. Review status: no assertion criteria provided. Collection method: clinical testing. Allele origin: germline. Not counted in ClinVar's aggregate classification.

Literature cited by the submitters: PubMed 21520333 (cited by Labcorp Genetics (formerly Invitae), Labcorp).